The following is an entry in ClinVar:

ClinVar aggregate classification (germline): Uncertain significance (1 of 4 stars; one submission).

Submission:

Labcorp Genetics (formerly Invitae), Labcorp
Classification: Uncertain significance. Last evaluated: 2024-08-11. Review status: criteria provided, single submitter. Criteria: Invitae Variant Classification Sherloc (09022015). Collection method: clinical testing. Allele origin: germline.
Comment: This sequence change replaces aspartic acid, which is acidic and polar, with valine, which is neutral and non-polar, at codon 126 of the PDE2A protein (p.Asp126Val). This variant is not present in population databases (gnomAD no frequency). This variant has not been reported in the literature in individuals affected with PDE2A-related conditions. An algorithm developed to predict the effect of missense changes on protein structure and function (PolyPhen-2) suggests that this variant is likely to be tolerated. In summary, the available evidence is currently insufficient to determine the role of this variant in disease. Therefore, it has been classified as a Variant of Uncertain Significance.

NM_002599.5(PDE2A):c.377A>T (p.Asp126Val)

Gene: PDE2A (phosphodiesterase 2A; minus strand). Cytogenetic location: 11q13.4.
Variant type: single nucleotide variant.
Coding change: c.377A>T on transcript NM_002599.5 (MANE Select); coding-DNA position 377, A replaced by T.
Protein change: p.Asp126Val; replaces aspartic acid 126 with valine.
Molecular consequence: missense variant.
Genome position (GRCh38, 1-based): chr11:72,597,566, T>A on the plus strand (A>T on the coding strand, the complement: PDE2A is on the minus strand). VCF-style: chr11-72597566-T-A. GRCh37 (hg19) VCF-style: chr11-72308610-T-A.
Other names: c.356A>T, p.Asp119Val (NM_001143839.4); c.350A>T, p.Asp117Val (NM_001146209.3); c.314A>T, p.Asp105Val (NM_001243784.2); short protein forms D105V, D117V, D119V, D126V.
Identifiers: ClinVar variation 3613237 (VCV003613237.2).
Genomic context (GRCh38, chr11:72,597,566, plus strand): 5'-TTACCTTGGGTATCAGGAGCCAGTGGAGCCACCAGCCTGGCCAAGGGCTTCCCTGGCAGG[T>A]CTGAGAAGCCCAGCCCATTGCAGCCCAGCCGCTTCTGGGAGATGATAGCCTCCCTGAAAA-3'
Protein context (NP_002590.1, residues 116-136): RLGCNGLGFS[Asp126Val]LPGKPLARLV